The following is an entry in ClinVar:

NM_078471.4(MYO18A):c.448G>A (p.Ala150Thr)

Gene: MYO18A (myosin XVIIIA; minus strand). Cytogenetic location: 17q11.2.
Variant type: single nucleotide variant.
Coding change: c.448G>A on transcript NM_078471.4 (MANE Select); coding-DNA position 448, G replaced by A.
Protein change: p.Ala150Thr; replaces alanine 150 with threonine.
Molecular consequence: missense variant.
Genome position (GRCh38, 1-based): chr17:29,166,493, C>T on the plus strand (G>A on the coding strand, the complement: MYO18A is on the minus strand). VCF-style: chr17-29166493-C-T. GRCh37 (hg19) VCF-style: chr17-27493511-C-T.
Other names: c.448G>A, p.Ala150Thr (NM_001346765.2, NM_001346766.2, NM_001346767.2 and 1 more transcripts); short protein forms A150T.
Identifiers: ClinVar variation 3064055 (VCV003064055.3), dbSNP rs776819172, ClinGen allele CA8473538.

ClinVar aggregate classification (germline): Uncertain significance (1 of 4 stars; one submission).

Conditions:
Hereditary hemochromatosis (HFE). Identifiers: MedGen C0392514, MONDO:0006507. Disease mechanism: loss of function.

Allele frequency attached by ClinVar (database versions not stated): gnomAD 0.00003; TOPMed 0.00005; ExAC 0.00001.

Submission:

Ambry Genetics
Classification: Uncertain significance. Last evaluated: 2025-08-22. Review status: criteria provided, single submitter. Criteria: Ambry Variant Classification Scheme 2023. Collection method: clinical testing. Allele origin: germline.